The following is an entry in ClinVar:

NM_001127511.3(APC):c.-13C>T

Gene: APC (APC regulator of Wnt signaling pathway; plus strand). Cytogenetic location: 5q22.2.
Variant type: single nucleotide variant.
Coding change: c.-13C>T on transcript NM_001127511.3; 13 bases upstream of the start codon, C replaced by T.
Molecular consequence: 5 prime UTR variant. On other transcripts: non-coding transcript variant (1), intron variant (5).
Genome position (GRCh38, 1-based): chr5:112,707,705, C>T. VCF-style: chr5-112707705-C-T. GRCh37 (hg19) VCF-style: chr5-112043402-C-T.
Other names: c.-196C>T (NM_001354895.2, NM_001407447.1, NM_001407452.1 and 3 more transcripts); c.-13C>T (NM_001354897.2, NM_001354902.2, NM_001407446.1); c.-1231C>T (NM_001407470.1, NM_001407472.1); c.-19+56C>T (NM_001407448.1, NM_001407450.1, NM_001407457.1 and 1 more transcripts); c.-43+56C>T (NM_001407453.1).
Identifiers: ClinVar variation 1041770 (VCV001041770.7), dbSNP rs1257473862, ClinGen allele CA1573442648.

ClinVar aggregate classification (germline): Uncertain significance (1 of 4 stars; one submission).

Conditions:
Familial adenomatous polyposis 1 (FAP1). Also called: FAMILIAL ADENOMATOUS POLYPOSIS 1, ATTENUATED; POLYPOSIS, ADENOMATOUS INTESTINAL. Identifiers: MedGen C2713442, MONDO:0021056, OMIM 175100. Disease mechanism: loss of function.

Submission:

Labcorp Genetics (formerly Invitae), Labcorp
Classification: Uncertain significance for Familial adenomatous polyposis 1. Last evaluated: 2024-04-25. Review status: criteria provided, single submitter. Criteria: Invitae Variant Classification Sherloc (09022015). Collection method: clinical testing. Allele origin: germline.
Comment: This variant occurs in a non-coding region of the APC gene. It does not change the encoded amino acid sequence of the APC protein. This variant is not present in population databases (gnomAD no frequency). This variant has not been reported in the literature in individuals affected with APC-related conditions. Experimental studies and prediction algorithms are not available or were not evaluated, and the functional significance of this variant is currently unknown. In summary, the available evidence is currently insufficient to determine the role of this variant in disease. Therefore, it has been classified as a Variant of Uncertain Significance.